The following is an entry in ClinVar:

NM_005660.3(SLC35A2):c.*32G>A

Gene: SLC35A2 (solute carrier family 35 member A2; minus strand). Cytogenetic location: Xp11.23.
Variant type: single nucleotide variant.
Coding change: c.*32G>A on transcript NM_005660.3 (MANE Select); 32 bases downstream of the stop codon, G replaced by A.
Molecular consequence: 3 prime UTR variant. On other transcripts: synonymous variant (1).
Genome position (GRCh38, 1-based): chrX:48,903,406, C>T on the plus strand (G>A on the coding strand, the complement: SLC35A2 is on the minus strand). VCF-style: chrX-48903406-C-T. GRCh37 (hg19) VCF-style: chrX-48760683-C-T.
Other names: c.*1321G>A (NM_001042498.3, NM_001282649.2, NM_001282650.2 and 1 more transcripts); c.633G>A, p.Ser211= (NM_001282647.2).
Identifiers: ClinVar variation 2660484 (VCV002660484.25), dbSNP rs781858426, ClinGen allele CA10406010.

ClinVar aggregate classification (germline): Likely benign. Review status: criteria provided, multiple submitters, no conflicts (2 of 4 stars). 2 submissions from 2 submitters: Likely benign (2). Last evaluated 2024-10-02.

Allele frequency attached by ClinVar (database versions not stated): gnomAD 0.00002; TOPMed 0.00002; ExAC 0.00004.
gnomAD v4.1: 18 of 573,016 alleles (0.0031%); highest among the groups gnomAD compares: Non-Finnish European, 0.0057%; no homozygotes.

Submissions (2):

Blueprint Genetics
Classification: Likely benign. Last evaluated: 2024-10-02. Review status: criteria provided, single submitter. Criteria: ACMG Guidelines, 2015. Collection method: clinical testing. Allele origin: germline.

CeGaT Center for Human Genetics Tuebingen
Classification: Likely benign. Last evaluated: 2022-05-01. Review status: criteria provided, single submitter. Criteria: CeGaT Center For Human Genetics Tuebingen Variant Classification Criteria Version 2. Collection method: clinical testing. Allele origin: germline. Affected: yes. Observed: 1 variant allele.
Comment: SLC35A2: BP4, BP7